The following is an entry in ClinVar:

ClinVar aggregate classification (germline): Uncertain significance (1 of 4 stars; one submission).

Conditions:
Inborn genetic diseases. Identifiers: MedGen C0950123, MeSH D030342.

Submission:

Ambry Genetics
Classification: Uncertain significance for Inborn genetic diseases. Last evaluated: 2022-03-20. Review status: criteria provided, single submitter. Criteria: Ambry Variant Classification Scheme 2023. Collection method: clinical testing. Allele origin: germline.
Comment: The p.K921E variant (also known as c.2761A>G), located in coding exon 13 of the ATR gene, results from an A to G substitution at nucleotide position 2761. The lysine at codon 921 is replaced by glutamic acid, an amino acid with similar properties. This amino acid position is conserved. In addition, this alteration is predicted to be tolerated by in silico analysis. Since supporting evidence is limited at this time, the clinical significance of this alteration remains unclear.

NM_001184.4(ATR):c.2761A>G (p.Lys921Glu)

Gene: ATR (ATR checkpoint kinase; minus strand). Cytogenetic location: 3q23.
Variant type: single nucleotide variant.
Coding change: c.2761A>G on transcript NM_001184.4 (MANE Select); coding-DNA position 2761, A replaced by G.
Protein change: p.Lys921Glu; replaces lysine 921 with glutamic acid.
Molecular consequence: missense variant.
Genome position (GRCh38, 1-based): chr3:142,553,271, T>C on the plus strand (A>G on the coding strand, the complement: ATR is on the minus strand). VCF-style: chr3-142553271-T-C. GRCh37 (hg19) VCF-style: chr3-142272113-T-C.
Other names: c.2569A>G, p.Lys857Glu (NM_001354579.2); short protein forms K857E, K921E.
Identifiers: ClinVar variation 1795692 (VCV001795692.2), dbSNP rs2473379747, ClinGen allele CA354814412.
Genomic context (GRCh38, chr3:142,553,271, plus strand): 5'-AAACGCTGACTCTTACCTGACAGATGGGTTTCTTATACTGGCTGAAAAAACTTTGCAGTT[T>C]AACACTTTTAGCTGCAACCAGAGCTCTAATTTCTGTGTATGCTGCTCCAGAGACAGATGC-3'
Protein context (NP_001175.2, residues 911-931): IRALVAAKSV[Lys921Glu]LQSFFSQYKK